The following is an entry in ClinVar:

NM_002474.3(MYH11):c.2645A>G (p.His882Arg)

Gene: MYH11 (myosin heavy chain 11; minus strand). Cytogenetic location: 16p13.11.
Variant type: single nucleotide variant.
Coding change: c.2645A>G on transcript NM_002474.3 (MANE Select); coding-DNA position 2645, A replaced by G.
Protein change: p.His882Arg; replaces histidine 882 with arginine.
Molecular consequence: missense variant.
Genome position (GRCh38, 1-based): chr16:15,741,767, T>C on the plus strand (A>G on the coding strand, the complement: MYH11 is on the minus strand). VCF-style: chr16-15741767-T-C. GRCh37 (hg19) VCF-style: chr16-15835624-T-C.
Other names: c.2666A>G, p.His889Arg (NM_001040113.2, NM_001040114.2); c.2645A>G, p.His882Arg (NM_022844.3); short protein forms H882R, H889R.
Identifiers: ClinVar variation 1332154 (VCV001332154.3), dbSNP rs2151251073, ClinGen allele CA394866064.

ClinVar aggregate classification (germline): Uncertain significance (1 of 4 stars; one submission).

Conditions:
Familial thoracic aortic aneurysm and aortic dissection (TAAD). Also called: Thoracic aortic aneurysms and dissections. Identifiers: Orphanet 91387, MedGen C4707243, MONDO:0019625.

Submission:

Color Diagnostics, LLC DBA Color Health
Classification: Uncertain significance for Familial thoracic aortic aneurysm and aortic dissection. Last evaluated: 2024-03-07. Review status: criteria provided, single submitter. Criteria: ACMG Guidelines, 2015. Collection method: clinical testing. Allele origin: germline.
Comment: This missense variant replaces histidine with arginine at codon 889 of the MYH11 protein. Computational prediction suggests that this variant may not impact protein structure and function (internally defined REVEL score threshold <= 0.5, PMID: 27666373). To our knowledge, functional studies have not been reported for this variant. This variant has not been reported in individuals affected with cardiovascular disorders in the literature. This variant has not been identified in the general population by the Genome Aggregation Database (gnomAD). The available evidence is insufficient to determine the role of this variant in disease conclusively. Therefore, this variant is classified as a Variant of Uncertain Significance.